The following is an entry in ClinVar:

NM_000552.5(VWF):c.1573G>C (p.Gly525Arg)

Gene: VWF (von Willebrand factor; minus strand). Cytogenetic location: 12p13.31.
Variant type: single nucleotide variant.
Coding change: c.1573G>C on transcript NM_000552.5 (MANE Select); coding-DNA position 1573, G replaced by C.
Protein change: p.Gly525Arg; replaces glycine 525 with arginine.
Molecular consequence: missense variant.
Genome position (GRCh38, 1-based): chr12:6,058,005, C>G on the plus strand (G>C on the coding strand, the complement: VWF is on the minus strand). VCF-style: chr12-6058005-C-G. GRCh37 (hg19) VCF-style: chr12-6167171-C-G.
Other names: short protein forms G525R.
Identifiers: ClinVar variation 2634000 (VCV002634000.1), dbSNP rs267607306, ClinGen allele CA383498333.

ClinVar aggregate classification (germline): Uncertain significance (1 of 4 stars; one submission).

Conditions:
VWF-related disorder. Also called: VWF-related disorders; VWF-related condition.

Submission:

PreventionGenetics, part of Exact Sciences
Classification: Uncertain significance for VWF-related condition. Last evaluated: 2023-09-25. Review status: criteria provided, single submitter. Criteria: ACMG Guidelines, 2015. Collection method: clinical testing. Allele origin: germline.
Comment: The VWF c.1573G>C variant is predicted to result in the amino acid substitution p.Gly525Arg. To our knowledge, this variant has not been reported in the literature or in a large population database, indicating this variant is rare. At this time, the clinical significance of this variant is uncertain due to the absence of conclusive functional and genetic evidence.